The following is an entry in ClinVar:

ClinVar aggregate classification (germline): Likely benign. Review status: criteria provided, multiple submitters, no conflicts (2 of 4 stars). 3 submissions from 3 submitters: Likely benign (3). Last evaluated 2024-12-16.

Conditions:
CABP4-related disorder. Also called: CABP4-related condition.

Allele frequency attached by ClinVar (database versions not stated): gnomAD 0.00006 and 0.00007; TOPMed 0.00012; gnomAD exomes 0.00013 and 0.00023; 1000 Genomes Project 30x 0.00016; 1000 Genomes Project 0.00020; ESP Exome Variant Server 0.00023; ExAC 0.00036.

Submissions (3):

Labcorp Genetics (formerly Invitae), Labcorp
Classification: Likely benign. Last evaluated: 2024-12-16. Review status: criteria provided, single submitter. Criteria: Invitae Variant Classification Sherloc (09022015). Collection method: clinical testing. Allele origin: germline.

PreventionGenetics, part of Exact Sciences
Classification: Likely benign for CABP4-related condition. Last evaluated: 2024-11-21. Review status: criteria provided, single submitter. Criteria: ACMG Guidelines, 2015. Collection method: clinical testing. Allele origin: germline.
Comment: This variant is classified as likely benign based on ACMG/AMP sequence variant interpretation guidelines (Richards et al. 2015 PMID: 25741868, with internal and published modifications).

Blueprint Genetics
Classification: Likely benign. Last evaluated: 2024-06-17. Review status: criteria provided, single submitter. Criteria: ACMG Guidelines, 2015. Collection method: clinical testing. Allele origin: germline.

NM_145200.5(CABP4):c.193G>A (p.Glu65Lys)

Gene: CABP4 (calcium binding protein 4; plus strand). Cytogenetic location: 11q13.2.
Variant type: single nucleotide variant.
Coding change: c.193G>A on transcript NM_145200.5 (MANE Select); coding-DNA position 193, G replaced by A.
Protein change: p.Glu65Lys; replaces glutamic acid 65 with lysine.
Molecular consequence: missense variant. On other transcripts: 5 prime UTR variant (2), non-coding transcript variant (1), intron variant (1).
Genome position (GRCh38, 1-based): chr11:67,455,616, G>A. VCF-style: chr11-67455616-G-A. GRCh37 (hg19) VCF-style: chr11-67223087-G-A.
Other names: c.193G>A (NM_145200.3); c.-191G>A (NM_001300895.3); c.-205G>A (NM_001379183.1); c.-112-93G>A (NM_001300896.3); short protein forms E65K.
Identifiers: ClinVar variation 1059896 (VCV001059896.9), dbSNP rs149056460, ClinGen allele CA6140087.